The following is an entry in ClinVar:

ClinVar aggregate classification (germline): Uncertain significance (1 of 4 stars; one submission).

Conditions:
Hereditary cancer-predisposing syndrome. Also called: Neoplastic Syndromes, Hereditary; Hereditary neoplastic syndrome; Tumor predisposition; Hereditary Cancer Syndrome. Identifiers: Orphanet 140162, MedGen C0027672, MeSH D009386, MONDO:0015356.

Submission:

Ambry Genetics
Classification: Uncertain significance for Hereditary cancer-predisposing syndrome. Last evaluated: 2026-02-22. Review status: criteria provided, single submitter. Criteria: Ambry Variant Classification Scheme 2023. Collection method: clinical testing. Allele origin: germline.
Comment: The p.N837I variant (also known as c.2510A>T), located in coding exon 17 of the BRIP1 gene, results from an A to T substitution at nucleotide position 2510. The asparagine at codon 837 is replaced by isoleucine, an amino acid with dissimilar properties. This amino acid position is conserved. In addition, this alteration is predicted to be deleterious by in silico analysis. Based on the available evidence, the clinical significance of this variant remains unclear.

NM_032043.3(BRIP1):c.2510A>T (p.Asn837Ile)

Gene: BRIP1 (BRCA1 interacting DNA helicase 1; minus strand). Cytogenetic location: 17q23.2.
Variant type: single nucleotide variant.
Coding change: c.2510A>T on transcript NM_032043.3 (MANE Select); coding-DNA position 2510, A replaced by T.
Protein change: p.Asn837Ile; replaces asparagine 837 with isoleucine.
Molecular consequence: missense variant.
Genome position (GRCh38, 1-based): chr17:61,693,495, T>A on the plus strand (A>T on the coding strand, the complement: BRIP1 is on the minus strand). VCF-style: chr17-61693495-T-A. GRCh37 (hg19) VCF-style: chr17-59770856-T-A.
Other names: short protein forms N837I.
Identifiers: ClinVar variation 4823954 (VCV004823954.1).